The following is an entry in ClinVar:

ClinVar aggregate classification (germline): Uncertain significance (1 of 4 stars; one submission).

Submission:

Labcorp Genetics (formerly Invitae), Labcorp
Classification: Uncertain significance. Last evaluated: 2022-05-27. Review status: criteria provided, single submitter. Criteria: Invitae Variant Classification Sherloc (09022015). Collection method: clinical testing. Allele origin: germline.
Comment: This variant has not been reported in the literature in individuals affected with ASXL2-related conditions. This variant is not present in population databases (gnomAD no frequency). This sequence change replaces histidine, which is basic and polar, with proline, which is neutral and non-polar, at codon 797 of the ASXL2 protein (p.His797Pro). In summary, the available evidence is currently insufficient to determine the role of this variant in disease. Therefore, it has been classified as a Variant of Uncertain Significance. Algorithms developed to predict the effect of missense changes on protein structure and function are either unavailable or do not agree on the potential impact of this missense change (SIFT: "Tolerated"; PolyPhen-2: "Not Available"; Align-GVGD: "Class C0").

NM_018263.6(ASXL2):c.2390A>C (p.His797Pro)

Gene: ASXL2 (ASXL transcriptional regulator 2; minus strand). Cytogenetic location: 2p23.3.
Variant type: single nucleotide variant.
Coding change: c.2390A>C on transcript NM_018263.6 (MANE Select); coding-DNA position 2390, A replaced by C.
Protein change: p.His797Pro; replaces histidine 797 with proline.
Molecular consequence: missense variant.
Genome position (GRCh38, 1-based): chr2:25,743,947, T>G on the plus strand (A>C on the coding strand, the complement: ASXL2 is on the minus strand). VCF-style: chr2-25743947-T-G. GRCh37 (hg19) VCF-style: chr2-25966816-T-G.
Other names: c.2216A>C, p.His739Pro (NM_001369346.1); c.1610A>C, p.His537Pro (NM_001369347.1); short protein forms H739P, H537P, H797P.
Identifiers: ClinVar variation 1999530 (VCV001999530.4), dbSNP rs2465306513, ClinGen allele CA346081124.